The following is an entry in ClinVar:

ClinVar aggregate classification (germline): Uncertain significance. Review status: criteria provided, multiple submitters, no conflicts (2 of 4 stars). 2 submissions from 2 submitters: Uncertain significance (2). Last evaluated 2024-09-06.

Conditions:
Dyskeratosis congenita, autosomal dominant 2. Identifiers: MedGen C3151443, MONDO:0013521, OMIM 613989.
Idiopathic Pulmonary Fibrosis. Also called: Idiopathic fibrosing alveolitis, chronic form; idiopathic fibrosing alveolitis. Identifiers: Orphanet 2032, MedGen C1800706, MeSH D054990, MONDO:0800504.
Dyskeratosis congenita. Identifiers: Orphanet 1775, MedGen C0265965, MONDO:0015780.

Submissions (2):

Ambry Genetics
Classification: Uncertain significance for Dyskeratosis congenita. Last evaluated: 2024-09-06. Review status: criteria provided, single submitter. Criteria: Ambry Variant Classification Scheme 2023. Collection method: clinical testing. Allele origin: germline.
Comment: The p.L350M variant (also known as c.1048C>A), located in coding exon 2 of the TERT gene, results from a C to A substitution at nucleotide position 1048. The leucine at codon 350 is replaced by methionine, an amino acid with highly similar properties. This amino acid position is conserved. In addition, the in silico prediction for this alteration is inconclusive. Based on the available evidence, the clinical significance of this variant remains unclear.

Labcorp Genetics (formerly Invitae), Labcorp
Classification: Uncertain significance for Dyskeratosis congenita, autosomal dominant 2; Idiopathic Pulmonary Fibrosis. Last evaluated: 2022-12-30. Review status: criteria provided, single submitter. Criteria: Invitae Variant Classification Sherloc (09022015). Collection method: clinical testing. Allele origin: germline.
Comment: In summary, the available evidence is currently insufficient to determine the role of this variant in disease. Therefore, it has been classified as a Variant of Uncertain Significance. Advanced modeling of protein sequence and biophysical properties (such as structural, functional, and spatial information, amino acid conservation, physicochemical variation, residue mobility, and thermodynamic stability) performed at Invitae indicates that this missense variant is expected to disrupt TERT protein function. ClinVar contains an entry for this variant (Variation ID: 1356714). This variant has not been reported in the literature in individuals affected with TERT-related conditions. This variant is not present in population databases (gnomAD no frequency). This sequence change replaces leucine, which is neutral and non-polar, with methionine, which is neutral and non-polar, at codon 350 of the TERT protein (p.Leu350Met).

NM_198253.3(TERT):c.1048C>A (p.Leu350Met)

Gene: TERT (telomerase reverse transcriptase; minus strand). Cytogenetic location: 5p15.33.
Variant type: single nucleotide variant.
Coding change: c.1048C>A on transcript NM_198253.3 (MANE Select); coding-DNA position 1048, C replaced by A.
Protein change: p.Leu350Met; replaces leucine 350 with methionine.
Molecular consequence: missense variant. On other transcripts: non-coding transcript variant (2).
Genome position (GRCh38, 1-based): chr5:1,293,838, G>T on the plus strand (C>A on the coding strand, the complement: TERT is on the minus strand). VCF-style: chr5-1293838-G-T. GRCh37 (hg19) VCF-style: chr5-1293953-G-T.
Other names: c.1048C>A (NM_198253.2); c.1048C>A, p.Leu350Met (NM_001193376.3); short protein forms L350M.
Identifiers: ClinVar variation 1356714 (VCV001356714.9), dbSNP rs2126686184, ClinGen allele CA359055801.